The following is an entry in ClinVar:

NM_001267550.2(TTN):c.3940A>G (p.Met1314Val)

Genes: TTN (titin; minus strand), LOC101927055 (uncharacterized LOC101927055; plus strand). Cytogenetic location: 2q31.2.
Variant type: single nucleotide variant.
Coding change: c.3940A>G on transcript NM_001267550.2 (MANE Select); coding-DNA position 3940, A replaced by G.
Protein change: p.Met1314Val; replaces methionine 1314 with valine.
Molecular consequence: missense variant.
Genome position (GRCh38, 1-based): chr2:178,779,252, T>C on the plus strand (A>G on the coding strand, the complement: TTN is on the minus strand). VCF-style: chr2-178779252-T-C. GRCh37 (hg19) VCF-style: chr2-179643979-T-C.
Other names: c.3940A>G, p.Met1314Val (NM_001256850.1, NM_133379.5, NM_133378.4); c.3802A>G, p.Met1268Val (NM_003319.4, NM_133432.3, NM_133437.4); short protein forms M1314V, M1268V.
Identifiers: ClinVar variation 263594 (VCV000263594.10), dbSNP rs764249439, ClinGen allele CA2005445.

ClinVar aggregate classification (germline): Conflicting classifications of pathogenicity. Review status: criteria provided, conflicting classifications (1 of 4 stars). 5 submissions from 5 submitters: Uncertain significance (4); Likely benign (1). Last evaluated 2026-07-13.

Conditions:
Cardiovascular phenotype. Identifiers: MedGen CN230736.
Autosomal recessive limb-girdle muscular dystrophy type 2J (LGMDR10). Also called: MUSCULAR DYSTROPHY, LIMB-GIRDLE, AUTOSOMAL RECESSIVE 10; Limb-girdle muscular dystrophy, type 2J. Identifiers: Orphanet 140922, MedGen C1837342, MONDO:0012127, OMIM 608807.
Dilated cardiomyopathy 1G (CMD1G). Identifiers: Orphanet 154, MedGen C1858763, MONDO:0011400, OMIM 604145.
TTN-related disorder. Also called: TTN-related condition; TTN-related disease; TTN-related disorders.

Allele frequency attached by ClinVar (database versions not stated): gnomAD exomes 0.00001; ExAC 0.00002; gnomAD 0.00011; TOPMed 0.00012.

Submissions (5):

PreventionGenetics, part of Exact Sciences
Classification: Uncertain significance for TTN-related condition. Last evaluated: 2026-07-13. Review status: criteria provided, single submitter. Criteria: ACMG Guidelines, 2015. Collection method: clinical testing. Allele origin: germline.
Comment: The TTN c.3940A>G variant is predicted to result in the amino acid substitution p.Met1314Val. To our knowledge, this variant has not been reported in the literature. This variant is reported in 0.024% of alleles in individuals of African descent in gnomAD. At this time, the clinical significance of this variant is uncertain due to the absence of conclusive functional and genetic evidence.

Blueprint Genetics
Classification: Likely benign. Last evaluated: 2022-06-08. Review status: criteria provided, single submitter. Criteria: ACMG Guidelines, 2015. Collection method: clinical testing. Allele origin: germline.

Revvity Omics, Revvity
Classification: Uncertain significance. Last evaluated: 2019-10-22. Review status: criteria provided, single submitter. Criteria: ACMG Guidelines, 2015. Collection method: clinical testing. Allele origin: germline.

Ambry Genetics
Classification: Uncertain significance for Cardiovascular phenotype. Last evaluated: 2019-09-19. Review status: criteria provided, single submitter. Criteria: Ambry Autosomal Dominant and X-Linked criteria (3/2017). Collection method: clinical testing. Allele origin: germline. Observed: 1 variant allele.
Comment: The p.M1314V variant (also known as c.3940A>G), located in coding exon 22 of the TTN gene, results from an A to G substitution at nucleotide position 3940. The methionine at codon 1314 is replaced by valine, an amino acid with highly similar properties. This amino acid position is well conserved in available vertebrate species. In addition, this alteration is predicted to be tolerated by in silico analysis. Since supporting evidence is limited at this time, the clinical significance of this alteration remains unclear.

Labcorp Genetics (formerly Invitae), Labcorp
Classification: Uncertain significance for Dilated cardiomyopathy 1G; Autosomal recessive limb-girdle muscular dystrophy type 2J. Last evaluated: 2019-07-19. Review status: criteria provided, single submitter. Criteria: Invitae Variant Classification Sherloc (09022015). Collection method: clinical testing. Allele origin: germline.
Comment: This sequence change replaces methionine with valine at codon 1314 of the TTN protein (p.Met1314Val). There is a small physicochemical difference between methionine and valine. This variant is present in population databases (rs764249439, ExAC 0.02%) but has not been reported in the literature in individuals with a TTN-related disease. ClinVar contains an entry for this variant (Variation ID: 263594). This variant identified in the TTN gene is located in the Z band of the resulting protein (PMID: 25589632). It is unclear how this variant impacts the function of this protein. Algorithms developed to predict the effect of missense changes on protein structure and function are unavailable for the TTN gene. Algorithms developed to predict the effect of sequence changes on RNA splicing suggest that this variant may alter RNA splicing, but this prediction has not been confirmed by published transcriptional studies. In summary, this is a rare missense change with uncertain impact on splicing. It has been classified as a Variant of Uncertain Significance.

Literature cited by the submitters: PubMed 25589632 (cited by Labcorp Genetics (formerly Invitae), Labcorp).